The following is an entry in ClinVar:

NM_000053.4(ATP7B):c.2223T>A (p.Tyr741Ter)

Gene: ATP7B (ATPase copper transporting beta; minus strand). Cytogenetic location: 13q14.3.
Variant type: single nucleotide variant.
Coding change: c.2223T>A on transcript NM_000053.4 (MANE Select); coding-DNA position 2223, T replaced by A.
Protein change: p.Tyr741Ter; replaces tyrosine 741 with a stop codon.
Molecular consequence: nonsense. On other transcripts: intron variant (2).
Genome position (GRCh38, 1-based): chr13:51,958,443, A>T on the plus strand (T>A on the coding strand, the complement: ATP7B is on the minus strand). VCF-style: chr13-51958443-A-T. GRCh37 (hg19) VCF-style: chr13-52532579-A-T.
Other names: c.1890T>A, p.Tyr630Ter (NM_001243182.2); c.1971T>A, p.Tyr657Ter (NM_001330579.2); c.1870-836T>A (NM_001005918.3); c.2122-836T>A (NM_001330578.2); short protein forms Y657*, Y630*, Y741*.
Identifiers: ClinVar variation 861182 (VCV000861182.12), dbSNP rs1958499640, ClinGen allele CA388022532.
Genomic context (GRCh38, chr13:51,958,443, plus strand): 5'-CACAGGGCTCCTCTCCGCCTTCTCAGCCACAGCAACCACCAGGATGACCAGAGAATAAAC[A>T]TAAGCAATGCTTGTGGCCAGGACGATGAGCACGTCCATGTTGGCTGACCTGTGTCTCAGA-3'

ClinVar aggregate classification (germline): Pathogenic. Review status: criteria provided, multiple submitters, no conflicts (2 of 4 stars). 4 submissions from 4 submitters: Pathogenic (4). Last evaluated 2026-01-05.

Conditions:
Wilson disease (WND). Also called: Wilson's disease. Identifiers: Orphanet 905, MedGen C0019202, MONDO:0010200, OMIM 277900. Disease mechanism: loss of function.

Allele frequency attached by ClinVar (database versions not stated): gnomAD exomes below 0.00001.
gnomAD v4.1: 1 of 1,614,252 alleles (0.000062%); highest among the groups gnomAD compares: Non-Finnish European, 0.000085%; no homozygotes.

Submissions (4):

Labcorp Genetics (formerly Invitae), Labcorp
Classification: Pathogenic for Wilson disease. Last evaluated: 2026-01-05. Review status: criteria provided, single submitter. Criteria: Invitae Variant Classification Sherloc (09022015). Collection method: clinical testing. Allele origin: germline.
Comment: This sequence change creates a premature translational stop signal (p.Tyr741*) in the ATP7B gene. It is expected to result in an absent or disrupted protein product. Loss-of-function variants in ATP7B are known to be pathogenic (PMID: 10441329, 16283883). This variant is not present in population databases (gnomAD no frequency). This premature translational stop signal has been observed in individual(s) with Wilson disease (PMID: 10544227). ClinVar contains an entry for this variant (Variation ID: 861182). For these reasons, this variant has been classified as Pathogenic.

All of Us Research Program, National Institutes of Health
Classification: Pathogenic for Wilson disease. Last evaluated: 2023-11-20. Review status: criteria provided, single submitter. Criteria: ACMG Guidelines, 2015. Collection method: clinical testing. Allele origin: germline. Inheritance: Autosomal recessive inheritance. Observed: 2 variant alleles, 2 heterozygotes.
Comment: This variant changes 1 nucleotide in exon 8 of the ATP7B gene, creating a premature translation stop signal. This variant is expected to result in an absent or non-functional protein product. This variant has been observed in individuals affected with autosomal recessive Wilson disease (PMID: 10544227, 18416466, 20517649, 27022412, 34470610), including in one individual in the compound heterozygous state with a second pathogenic variant in the ATP7B gene (PMID: 10544227) and in two individuals in unknown phase with a second pathogenic variant in the ATP7B gene (PMID: 18416466, 20517649). This variant has not been identified in the general population by the Genome Aggregation Database (gnomAD). Loss of ATP7B function is a known mechanism of disease. Based on the available evidence, this variant is classified as Pathogenic.

This study involves interpretation of variants in research participants for the purpose of population health screening. Participant phenotype was not available at the time of variant classification. Additional details can be found in publication PMID: 35346344, PMCID: PMC8962531

Women's Health and Genetics/Laboratory Corporation of America, LabCorp
Classification: Pathogenic for Wilson disease. Last evaluated: 2022-01-09. Review status: criteria provided, single submitter. Criteria: LabCorp Variant Classification Summary - May 2015. Collection method: clinical testing. Allele origin: germline.
Comment: Variant summary: ATP7B c.2223T>A (p.Tyr741X) results in a premature termination codon, predicted to cause a truncation of the encoded protein or absence of the protein due to nonsense mediated decay, which are commonly known mechanisms for disease. Truncations downstream of this position have been classified as pathogenic by our laboratory. The variant was absent in 249592 control chromosomes. c.2223T>A has been reported in the literature in individuals affected with Wilson Disease (example, Loudianos_1999, Simon_2008, Weiss_2010). To our knowledge, no experimental evidence demonstrating an impact on protein function has been reported. Two clinical diagnostic laboratories have submitted clinical-significance assessments for this variant to ClinVar after 2014 without evidence for independent evaluation. All laboratories classified the variant as pathogenic. Based on the evidence outlined above, the variant was classified as pathogenic.

Genome-Nilou Lab
Classification: Pathogenic for Wilson disease. Last evaluated: 2021-08-10. Review status: criteria provided, single submitter. Criteria: ACMG Guidelines, 2015. Collection method: clinical testing. Allele origin: germline. Affected: no.

Literature cited by the submitters: PubMed 10441329 (cited by Labcorp Genetics (formerly Invitae), Labcorp); PubMed 16283883 (cited by Labcorp Genetics (formerly Invitae), Labcorp); PubMed 10544227 (cited by 3 submitters); PubMed 18416466 (cited by All of Us Research Program, National Institutes of Health and Women's Health and Genetics/Laboratory Corporation of America, LabCorp); PubMed 20517649 (cited by All of Us Research Program, National Institutes of Health and Women's Health and Genetics/Laboratory Corporation of America, LabCorp); PubMed 27022412 (cited by All of Us Research Program, National Institutes of Health); PubMed 34470610 (cited by All of Us Research Program, National Institutes of Health).